The following is an entry in ClinVar:

ClinVar aggregate classification (germline): Benign/Likely benign. Review status: criteria provided, multiple submitters, no conflicts (2 of 4 stars). 6 submissions from 6 submitters: Benign (4); Likely benign (2). Last evaluated 2026-01-29.

Conditions:
Hereditary spherocytosis type 5. Also called: EPB42-Related Spherocytosis; EPB42-Related Hereditary Spherocytosis. Identifiers: Orphanet 822, MedGen C2675192, MONDO:0012985, OMIM 612690.

Allele frequency attached by ClinVar (database versions not stated): 1000 Genomes Project 0.00539; 1000 Genomes Project 30x 0.00640; TOPMed 0.01457; gnomAD 0.01458 and 0.01529; ESP Exome Variant Server 0.01615; gnomAD exomes 0.01685 and 0.01884; ExAC 0.01740.
gnomAD v4.1: 29,707 of 1,613,806 alleles (1.8%); highest among the groups gnomAD compares: Middle Eastern, 4.9%; 326 homozygotes.

Submissions (6):

Labcorp Genetics (formerly Invitae), Labcorp
Classification: Benign. Last evaluated: 2026-01-29. Review status: criteria provided, single submitter. Criteria: Invitae Variant Classification Sherloc (09022015). Collection method: clinical testing. Allele origin: germline.

ARUP Laboratories, Molecular Genetics and Genomics, ARUP Laboratories
Classification: Benign for Hereditary spherocytosis type 5. Last evaluated: 2025-07-11. Review status: criteria provided, single submitter. Criteria: ARUP Molecular Germline Variant Investigation Process 2024. Collection method: clinical testing. Allele origin: germline.

Mayo Clinic Laboratories, Mayo Clinic
Classification: Benign. Last evaluated: 2022-05-17. Review status: criteria provided, single submitter. Criteria: ACMG Guidelines, 2015. Collection method: clinical testing. Allele origin: germline. Observed: 101 variant alleles.
Comment: BS1, BS2

Illumina Laboratory Services, Illumina
Classification: Likely benign for Hereditary spherocytosis type 5. Last evaluated: 2018-01-13. Review status: criteria provided, single submitter. Criteria: ICSL Variant Classification Criteria 13 December 2019. Collection method: clinical testing. Allele origin: germline.
Comment: This variant was observed in the ICSL laboratory as part of a predisposition screen in an ostensibly healthy population. It had not been previously curated by ICSL or reported in the Human Gene Mutation Database (HGMD: prior to June 1st, 2018), and was therefore a candidate for classification through an automated scoring system. Utilizing variant allele frequency, disease prevalence and penetrance estimates, and inheritance mode, an automated score was calculated to assess if this variant is too frequent to cause the disease. Based on the score and internal cut-off values, a variant classified as likely benign is not then subjected to further curation. The score for this variant resulted in a classification of likely benign for this disease.

Breakthrough Genomics
Classification: Likely benign. Review status: criteria provided, single submitter. Criteria: ACMG Guidelines, 2015. Collection method: not provided. Allele origin: germline. Inheritance: Unknown mechanism. Affected: yes.

PreventionGenetics, part of Exact Sciences
Classification: Benign. Review status: criteria provided, single submitter. Criteria: ACMG Guidelines, 2015. Collection method: clinical testing. Allele origin: germline.

NM_001114134.2(EPB42):c.1318+4C>T

Gene: EPB42 (erythrocyte membrane protein band 4.2; minus strand). Cytogenetic location: 15q15.2.
Variant type: single nucleotide variant.
Coding change: c.1318+4C>T on transcript NM_001114134.2 (MANE Select); 4 bases into the intron after coding-DNA position 1318, C replaced by T.
Molecular consequence: intron variant.
Genome position (GRCh38, 1-based): chr15:43,207,195, G>A on the plus strand (C>T on the coding strand, the complement: EPB42 is on the minus strand). VCF-style: chr15-43207195-G-A. GRCh37 (hg19) VCF-style: chr15-43499393-G-A.
Other names: p.?; c.1408+4C>T (NM_000119.3).
Identifiers: ClinVar variation 255149 (VCV000255149.29), dbSNP rs45498491, ClinGen allele CA7520362.